The following is an entry in ClinVar:

ClinVar aggregate classification (germline): Uncertain significance. Review status: criteria provided, multiple submitters, no conflicts (2 of 4 stars). 2 submissions from 2 submitters: Uncertain significance (2). Last evaluated 2024-06-08.

Conditions:
Autosomal recessive osteopetrosis 1. Also called: ALBERS-SCHONBERG DISEASE, AUTOSOMAL RECESSIVE; TCIRG1-Related Autosomal Recessive Osteopetrosis; TCIRG1-Related Osteopetrosis. Identifiers: Orphanet 667, MedGen C1850127, MONDO:0009815, OMIM 259700.

gnomAD v4.1: 22 of 1,552,192 alleles (0.0014%); highest among the groups gnomAD compares: Middle Eastern, 0.017%; no homozygotes.

Submissions (2):

Labcorp Genetics (formerly Invitae), Labcorp
Classification: Uncertain significance. Last evaluated: 2024-06-08. Review status: criteria provided, single submitter. Criteria: Invitae Variant Classification Sherloc (09022015). Collection method: clinical testing. Allele origin: germline.
Comment: This sequence change replaces glycine, which is neutral and non-polar, with arginine, which is basic and polar, at codon 159 of the TCIRG1 protein (p.Gly159Arg). The frequency data for this variant in the population databases is considered unreliable, as metrics indicate poor data quality at this position in the gnomAD database. This variant has not been reported in the literature in individuals affected with TCIRG1-related conditions. ClinVar contains an entry for this variant (Variation ID: 2067579). Advanced modeling of protein sequence and biophysical properties (such as structural, functional, and spatial information, amino acid conservation, physicochemical variation, residue mobility, and thermodynamic stability) performed at Invitae indicates that this missense variant is not expected to disrupt TCIRG1 protein function with a negative predictive value of 80%. In summary, the available evidence is currently insufficient to determine the role of this variant in disease. Therefore, it has been classified as a Variant of Uncertain Significance.

Department of Pathology and Laboratory Medicine, Sinai Health System
Classification: Uncertain significance for Autosomal recessive osteopetrosis 1. Last evaluated: 2021-07-30. Review status: criteria provided, single submitter. Criteria: ACMG Guidelines, 2015. Collection method: research. Allele origin: germline.

NM_006019.4(TCIRG1):c.475G>A (p.Gly159Arg)

Gene: TCIRG1 (T cell immune regulator 1, ATPase H+ transporting V0 subunit a3; plus strand). Cytogenetic location: 11q13.2.
Variant type: single nucleotide variant.
Coding change: c.475G>A on transcript NM_006019.4 (MANE Select); coding-DNA position 475, G replaced by A.
Protein change: p.Gly159Arg; replaces glycine 159 with arginine.
Molecular consequence: missense variant. On other transcripts: 5 prime UTR variant (2).
Genome position (GRCh38, 1-based): chr11:68,043,003, G>A. VCF-style: chr11-68043003-G-A. GRCh37 (hg19) VCF-style: chr11-67810470-G-A.
Other names: c.-775G>A (NM_001351059.2); c.-513G>A (NM_006053.4); short protein forms G159R.
Identifiers: ClinVar variation 2067579 (VCV002067579.4), dbSNP rs573845313, ClinGen allele CA381576893.